The following is an entry in ClinVar:

ClinVar aggregate classification (germline): Pathogenic (1 of 4 stars; one submission).

Conditions:
Congenital myasthenic syndrome 5. Identifiers: Orphanet 590, MedGen C1864233, MONDO:0011281, OMIM 603034.

Submission:

Labcorp Genetics (formerly Invitae), Labcorp
Classification: Pathogenic for Congenital myasthenic syndrome 5. Last evaluated: 2019-10-31. Review status: criteria provided, single submitter. Criteria: Invitae Variant Classification Sherloc (09022015). Collection method: clinical testing. Allele origin: germline.
Comment: This sequence change creates a premature translational stop signal (p.Ser257Phefs*45) in the COLQ gene. It is expected to result in an absent or disrupted protein product. This variant is not present in population databases (ExAC no frequency). This variant has not been reported in the literature in individuals with COLQ-related conditions. Loss-of-function variants in COLQ are known to be pathogenic (PMID: 22678886). For these reasons, this variant has been classified as Pathogenic.

Literature cited by the submitters: PubMed 22678886.

NM_005677.4(COLQ):c.769dup (p.Ser257fs)

Gene: COLQ (collagen like tail subunit of asymmetric acetylcholinesterase; minus strand). Cytogenetic location: 3p25.1.
Variant type: Duplication.
Coding change: c.769dup on transcript NM_005677.4 (MANE Select); coding-DNA position 769, one base duplicated (T; older notation c.769dupT).
Protein change: p.Ser257fs; shifts the reading frame from serine 257.
Molecular consequence: frameshift variant.
Genome position (GRCh38, 1-based): chr3:15,466,386, A duplicated on the plus strand (T on the coding strand, the reverse complement: COLQ is on the minus strand); the first of 2 consecutive A bases (chr3:15,466,386-15,466,387); duplicating either gives the same sequence. VCF-style (leftmost placement, unchanged base first): chr3-15466385-G-GA. GRCh37 (hg19) VCF-style: chr3-15507892-G-GA.
Other names: c.739dup, p.Ser247fs (NM_080538.2); c.667dup, p.Ser223fs (NM_080539.4); short protein forms S223fs, S247fs, S257fs.
Identifiers: ClinVar variation 965255 (VCV000965255.3), dbSNP rs2062200939, ClinGen allele CA1139657927.